The following is an entry in ClinVar:

NM_001048174.2(MUTYH):c.148C>T (p.Gln50Ter)

Gene: MUTYH (mutY DNA glycosylase; minus strand). Cytogenetic location: 1p34.1.
Variant type: single nucleotide variant.
Coding change: c.148C>T on transcript NM_001048174.2 (MANE Select); coding-DNA position 148, C replaced by T.
Protein change: p.Gln50Ter; replaces glutamine 50 with a stop codon.
Molecular consequence: nonsense. On other transcripts: 5 prime UTR variant (1), non-coding transcript variant (2), intron variant (3).
Genome position (GRCh38, 1-based): chr1:45,333,529, G>A on the plus strand (C>T on the coding strand, the complement: MUTYH is on the minus strand). VCF-style: chr1-45333529-G-A. GRCh37 (hg19) VCF-style: chr1-45799201-G-A.
Other names: c.148C>T, p.Gln50Ter (NM_001048171.2, NM_001048173.2, NM_001293195.2); c.151C>T, p.Gln51Ter (NM_001048172.2); c.232C>T, p.Gln78Ter (NM_001128425.2); c.193C>T, p.Gln65Ter (NM_001293190.2); c.181C>T, p.Gln61Ter (NM_001293191.2); c.-124C>T (NM_001350650.2); c.223C>T, p.Gln75Ter (NM_012222.3); c.-92-32C>T (NM_001350651.2); and 1 more; short protein forms Q50*, Q51*, Q61*, Q65*, Q75*, Q78*.
Identifiers: ClinVar variation 1070581 (VCV001070581.15), dbSNP rs1645377813, ClinGen allele CA340136588.

ClinVar aggregate classification (germline): Pathogenic. Review status: criteria provided, multiple submitters, no conflicts (2 of 4 stars). 2 submissions from 2 submitters: Pathogenic (2). Last evaluated 2025-06-01.

Conditions:
Familial adenomatous polyposis 2. Also called: MUTYH-associated polyposis; MUTYH Polyposis; COLORECTAL ADENOMATOUS POLYPOSIS, AUTOSOMAL RECESSIVE; ADENOMAS, MULTIPLE COLORECTAL, AUTOSOMAL RECESSIVE; Adenomas, multiple colorectal; MUTYH-related attenuated familial adenomatous polyposis. Identifiers: Orphanet 220460, Orphanet 247798, MedGen C3272841, MONDO:0012041, OMIM 608456.

Submissions (2):

CeGaT Center for Human Genetics Tuebingen
Classification: Pathogenic. Last evaluated: 2025-06-01. Review status: criteria provided, single submitter. Criteria: CeGaT Center For Human Genetics Tuebingen Variant Classification Criteria Version 2. Collection method: clinical testing. Allele origin: germline. Affected: yes. Observed: 1 variant allele.
Comment: MUTYH: PVS1, PM2

Labcorp Genetics (formerly Invitae), Labcorp
Classification: Pathogenic for Familial adenomatous polyposis 2. Last evaluated: 2020-08-18. Review status: criteria provided, single submitter. Criteria: Invitae Variant Classification Sherloc (09022015). Collection method: clinical testing. Allele origin: germline.
Comment: This sequence change creates a premature translational stop signal (p.Gln78*) in the MUTYH gene. It is expected to result in an absent or disrupted protein product. This variant is not present in population databases (ExAC no frequency). This variant has not been reported in the literature in individuals with MUTYH-related conditions. Algorithms developed to predict the effect of sequence changes on RNA splicing suggest that this variant may create or strengthen a splice site, but this prediction has not been confirmed by published transcriptional studies. Loss-of-function variants in MUTYH are known to be pathogenic (PMID: 18534194, 20663686). For these reasons, this variant has been classified as Pathogenic.

Literature cited by the submitters: PubMed 18534194 (cited by Labcorp Genetics (formerly Invitae), Labcorp); PubMed 20663686 (cited by Labcorp Genetics (formerly Invitae), Labcorp).